The following is an entry in ClinVar:

ClinVar aggregate classification (germline): Likely benign (1 of 4 stars; one submission).

Submission:

CeGaT Center for Human Genetics Tuebingen
Classification: Likely benign. Last evaluated: 2025-08-01. Review status: criteria provided, single submitter. Criteria: CeGaT Center For Human Genetics Tuebingen Variant Classification Criteria Version 2. Collection method: clinical testing. Allele origin: germline. Affected: yes. Observed: 1 variant allele.
Comment: SMARCA4: PM2:Supporting, BP4, BP7

NM_003072.5(SMARCA4):c.4359T>C (p.Pro1453=)

Gene: SMARCA4 (SWI/SNF related BAF chromatin remodeling complex subunit ATPase 4; plus strand). Cytogenetic location: 19p13.2.
Variant type: single nucleotide variant.
Coding change: c.4359T>C on transcript NM_003072.5 (MANE Select); coding-DNA position 4359, T replaced by C.
Protein change: p.Pro1453=; no amino-acid change (proline 1453 retained).
Molecular consequence: synonymous variant. On other transcripts: non-coding transcript variant (1).
Genome position (GRCh38, 1-based): chr19:11,041,495, T>C. VCF-style: chr19-11041495-T-C. GRCh37 (hg19) VCF-style: chr19-11152171-T-C.
Other names: c.4359T>C, p.Pro1453= (NM_001128844.3); c.4269T>C, p.Pro1423= (NM_001128845.2, NM_001128846.2); c.4260T>C, p.Pro1420= (NM_001128847.4, NM_001128848.2, NM_001374457.1); c.4455T>C, p.Pro1485= (NM_001128849.3, NM_001387283.1); c.4356T>C, p.Pro1452= (NM_001411150.1).
Identifiers: ClinVar variation 4084192 (VCV004084192.8).
Genomic context (GRCh38, chr19:11,041,495, plus strand): 5'-GGACGACGAGAGCAAGAAGCAGAAGAAGCGCGGGCGGCCGCCTGCCGAGAAACTCTCCCC[T>C]AACCCACCCAACCTCACCAAGAAGATGAAGAAGATTGTGGATGCCGTGATCAAGTACAAG-3'
Protein context (NP_003063.2, residues 1443-1463): RGRPPAEKLS[Pro1453=]NPPNLTKKMK